The following is an entry in ClinVar:

NM_001013838.3(CARMIL2):c.41-95C>T

Gene: CARMIL2 (capping protein regulator and myosin 1 linker 2; plus strand). Cytogenetic location: 16q22.1.
Variant type: single nucleotide variant.
Coding change: c.41-95C>T on transcript NM_001013838.3 (MANE Select); 95 bases into the intron before coding-DNA position 41, C replaced by T.
Molecular consequence: intron variant.
Genome position (GRCh38, 1-based): chr16:67,645,445, C>T. VCF-style: chr16-67645445-C-T. GRCh37 (hg19) VCF-style: chr16-67679348-C-T.
Other names: c.41-95C>T (NM_001317026.3).
Identifiers: ClinVar variation 2688465 (VCV002688465.2), dbSNP rs73597578, ClinGen allele CA14223936.
Genomic context (GRCh38, chr16:67,645,445, plus strand): 5'-CTCCCTGCTCCCCAGGAGGGCAGGCGCCCCAGATCCTCTCCCCTCCTTCCTCGCTGGCCG[C>T]AGATAAGCCCCAGGGCCCCAGCCTGGCACAGACTGTGGGCACCAGTGGCTTCTGTGCAAG-3'

ClinVar aggregate classification (germline): Benign (1 of 4 stars; one submission).

Allele frequency attached by ClinVar (database versions not stated): gnomAD exomes 0.10637; 1000 Genomes Project 0.15475; gnomAD 0.15932; 1000 Genomes Project 30x 0.16224; TOPMed 0.16239.
gnomAD v4.1: 155,443 of 1,384,752 alleles (11%); highest among the groups gnomAD compares: African/African-American, 28%; 10,458 homozygotes.

Submission:

Unidad de Genómica Garrahan, Hospital de Pediatría Garrahan
Classification: Benign. Last evaluated: 2024-01-24. Review status: criteria provided, single submitter. Criteria: ACMG Guidelines, 2015. Collection method: clinical testing. Allele origin: germline. Affected: no. Observed: 25 variant alleles.
Comment: This variant is classified as Benign based on local population frequency. This variant was detected in 28% of patients studied by a panel of primary immunodeficiencies. Number of patients: 25. Only high quality variants are reported.